The following is an entry in ClinVar:

NM_000264.5(PTCH1):c.3410_3424del (p.Val1137_Ala1141del)

Gene: PTCH1 (patched 1; minus strand). Cytogenetic location: 9q22.32.
Variant type: Deletion.
Coding change: c.3410_3424del on transcript NM_000264.5 (MANE Select); coding-DNA positions 3410 to 3424, 15 bases deleted (TGCTGATGCTGGCGG).
Protein change: p.Val1137_Ala1141del.
Molecular consequence: inframe deletion. On other transcripts: non-coding transcript variant (1).
Genome position (GRCh38, 1-based): chr9:95,453,503-95,453,517, CCGCCAGCATCAGCA deleted on the plus strand (TGCTGATGCTGGCGG on the coding strand, the reverse complement: PTCH1 is on the minus strand); deleting any 15 consecutive bases within chr9:95,453,503-95,453,518 gives the same sequence; the c. name uses the placement nearest the transcript's 3' end. VCF-style (leftmost placement, unchanged base first): chr9-95453502-CCCGCCAGCATCAGCA-C. GRCh37 (hg19) VCF-style: chr9-98215784-CCCGCCAGCATCAGCA-C.
Other names: c.3212_3226del, p.Val1071_Ala1075del (NM_001083602.3); c.3407_3421del, p.Val1136_Ala1140del (NM_001083603.3); c.2957_2971del, p.Val986_Ala990del (NM_001083604.3, NM_001083605.3, NM_001083606.3 and 1 more transcripts); c.3254_3268del, p.Val1085_Ala1089del (NM_001354918.2).
Identifiers: ClinVar variation 428835 (VCV000428835.5), dbSNP rs1554690414, ClinGen allele CA645369447.

ClinVar aggregate classification (germline): Uncertain significance (1 of 4 stars; one submission).

Conditions:
Hereditary cancer-predisposing syndrome. Also called: Hereditary Cancer Syndrome; Neoplastic Syndromes, Hereditary; Hereditary neoplastic syndrome; Tumor predisposition. Identifiers: Orphanet 140162, MedGen C0027672, MeSH D009386, MONDO:0015356.

Submission:

Ambry Genetics
Classification: Uncertain significance for Hereditary cancer-predisposing syndrome. Last evaluated: 2015-06-29. Review status: criteria provided, single submitter. Criteria: Ambry Variant Classification Scheme 2023. Collection method: clinical testing. Allele origin: germline.
Comment: The c.3410_3424del15 variant is located in coding exon 20 of the PTCH1 gene. This variant results from an in-frame TGCTGATGCTGGCGG deletion of 15 nucleotides between nucleotide positions 3410 and 3424. This variant was not reported in population based cohorts in the following databases: Database of Single Nucleotide Polymorphisms (dbSNP), NHLBI Exome Sequencing Project (ESP), and 1000 Genomes Project. In the ESP, this variant was not observed in 6503 samples (13006 alleles) with coverage at this position. To date, this alteration has been detected with an allele frequency of approximately 0.47% (greater than 200 alleles tested) in our clinical cohort. These nucleotide positions are not well conserved in available vertebrate species. Since supporting evidence is limited at this time, the clinical significance of c.3410_3424del15 remains unclear.